The following is an entry in ClinVar:

NM_152564.5(VPS13B):c.1776T>C (p.His592=)

Gene: VPS13B (vacuolar protein sorting 13 homolog B; plus strand). Cytogenetic location: 8q22.2.
Variant type: single nucleotide variant.
Coding change: c.1776T>C on transcript NM_152564.5 (MANE Select); coding-DNA position 1776, T replaced by C.
Protein change: p.His592=; no amino-acid change (histidine 592 retained).
Molecular consequence: synonymous variant.
Genome position (GRCh38, 1-based): chr8:99,143,098, T>C. VCF-style: chr8-99143098-T-C. GRCh37 (hg19) VCF-style: chr8-100155326-T-C.
Other names: c.1776T>C (NM_152564.4); c.1776T>C, p.His592= (NM_015243.3, NM_017890.5).
Identifiers: ClinVar variation 528862 (VCV000528862.12), dbSNP rs756818683, ClinGen allele CA4822739.

ClinVar aggregate classification (germline): Likely benign. Review status: criteria provided, multiple submitters, no conflicts (2 of 4 stars). 3 submissions from 3 submitters: Likely benign (2). 1 of the submissions does not count toward it. Last evaluated 2025-10-29.

Conditions:
Inborn genetic diseases. Identifiers: MedGen C0950123, MeSH D030342.
Cohen syndrome (COH1). Also called: PEPPER SYNDROME; Cutis verticis gyrata, retinitis pigmentosa, and sensorineural deafness. Identifiers: Orphanet 193, MedGen C0265223, MONDO:0008999, OMIM 216550.
VPS13B-related disorder. Also called: VPS13B-related condition.

Allele frequency attached by ClinVar (database versions not stated): ExAC 0.00001; gnomAD 0.00002; gnomAD exomes 0.00002 and 0.00014; TOPMed 0.00003.
gnomAD v4.1: 197 of 1,613,930 alleles (0.012%); highest among the groups gnomAD compares: Non-Finnish European, 0.016%; no homozygotes.

Submissions (3):

Labcorp Genetics (formerly Invitae), Labcorp
Classification: Likely benign for Cohen syndrome. Last evaluated: 2025-10-29. Review status: criteria provided, single submitter. Criteria: Invitae Variant Classification Sherloc (09022015). Collection method: clinical testing. Allele origin: germline.

Ambry Genetics
Classification: Likely benign for Inborn genetic diseases. Last evaluated: 2017-07-20. Review status: criteria provided, single submitter. Criteria: Ambry Variant Classification Scheme 2023. Collection method: clinical testing. Allele origin: germline.

PreventionGenetics, part of Exact Sciences
Classification: Likely benign for VPS13B-related condition. Last evaluated: 2021-10-01. Review status: no assertion criteria provided. Collection method: clinical testing. Allele origin: germline. Not counted in ClinVar's aggregate classification.
Comment: This variant is classified as likely benign based on ACMG/AMP sequence variant interpretation guidelines (Richards et al. 2015 PMID: 25741868, with internal and published modifications).